The following is an entry in ClinVar:

NM_000539.3(RHO):c.311_316del (p.Val104_Phe105del)

Gene: RHO (rhodopsin; plus strand). Cytogenetic location: 3q22.1.
Variant type: Deletion.
Coding change: c.311_316del on transcript NM_000539.3 (MANE Select); coding-DNA positions 311 to 316, 6 bases deleted (TCTTCG; older notation c.311_316delTCTTCG).
Protein change: p.Val104_Phe105del.
Molecular consequence: inframe deletion.
Genome position (GRCh38, 1-based): chr3:129,529,044-129,529,049, TCTTCG deleted; deleting any 6 consecutive bases within chr3:129,529,039-129,529,049 gives the same sequence; the c. name uses the placement nearest the transcript's 3' end. VCF-style (leftmost placement, unchanged base first): chr3-129529038-ACTTCGT-A. GRCh37 (hg19) VCF-style: chr3-129247881-ACTTCGT-A.
Identifiers: ClinVar variation 4717339 (VCV004717339.1).
Genomic context (GRCh38, chr3:129,529,038, plus strand): 5'-CTGACCTCTTCATGGTCCTAGGTGGCTTCACCAGCACCCTCTACACCTCTCTGCATGGAT[ACTTCGT>A]CTTCGGGCCCACAGGATGCAATTTGGAGGGCTTCTTTGCCACCCTGGGCGGTATGAGCCG-3'

ClinVar aggregate classification (germline): Uncertain significance (1 of 4 stars; one submission).

Submission:

Labcorp Genetics (formerly Invitae), Labcorp
Classification: Uncertain significance. Last evaluated: 2025-06-22. Review status: criteria provided, single submitter. Criteria: Invitae Variant Classification Sherloc (09022015). Collection method: clinical testing. Allele origin: germline.
Comment: This variant, c.311_316del, results in the deletion of 2 amino acid(s) of the RHO protein (p.Val104_Phe105del), but otherwise preserves the integrity of the reading frame. This variant is not present in population databases (gnomAD no frequency). This variant has not been reported in the literature in individuals affected with RHO-related conditions. Experimental studies and prediction algorithms are not available or were not evaluated, and the functional significance of this variant is currently unknown. In summary, the available evidence is currently insufficient to determine the role of this variant in disease. Therefore, it has been classified as a Variant of Uncertain Significance.